The following is an entry in ClinVar:

NM_033641.4(COL4A6):c.2685G>T (p.Lys895Asn)

Gene: COL4A6 (collagen type IV alpha 6 chain; minus strand). Cytogenetic location: Xq22.3.
Variant type: single nucleotide variant.
Coding change: c.2685G>T on transcript NM_033641.4 (MANE Select); coding-DNA position 2685, G replaced by T.
Protein change: p.Lys895Asn; replaces lysine 895 with asparagine.
Molecular consequence: missense variant.
Genome position (GRCh38, 1-based): chrX:108,176,842, C>A on the plus strand (G>T on the coding strand, the complement: COL4A6 is on the minus strand). VCF-style: chrX-108176842-C-A. GRCh37 (hg19) VCF-style: chrX-107420072-C-A.
Other names: c.2688G>T (NM_001847.3); c.2736G>T, p.Lys912Asn (NM_001287758.2); c.2685G>T, p.Lys895Asn (NM_001287759.2, NM_001287760.2); c.2688G>T, p.Lys896Asn (NM_001847.4); short protein forms K896N, K895N, K912N.
Identifiers: ClinVar variation 595199 (VCV000595199.34), dbSNP rs150454971, ClinGen allele CA10487585.
Genomic context (GRCh38, chrX:108,176,842, plus strand): 5'-CGCAGCTGAAATGCTCCTTTTTGGCAACCACTGGTCACTTCACTGATCACTTCACTTACC[C>A]TTGGGTCCAGAGAGGGCTGGCAACCCAGCGACCCCTGGAGAGCCTGGGCTTCCTTTCAGT-3'
Protein context (NP_378667.1, residues 885-905): VAGLPALSGP[Lys895Asn]GEKGSVGFVG

ClinVar aggregate classification (germline): Conflicting classifications of pathogenicity. Review status: criteria provided, conflicting classifications (1 of 4 stars). 4 submissions from 4 submitters: Uncertain significance (2); Likely benign (1). 1 of the submissions does not count toward it. Last evaluated 2023-11-06.

Conditions:
COL4A6-related disorder. Also called: COL4A6-related condition.

Allele frequency attached by ClinVar (database versions not stated): TOPMed 0.00027; ESP Exome Variant Server 0.00038.
gnomAD v4.1: 327 of 1,203,732 alleles (0.027%); highest among the groups gnomAD compares: Non-Finnish European, 0.035%; 1 homozygote.

Submissions (4):

Labcorp Genetics (formerly Invitae), Labcorp
Classification: Uncertain significance. Last evaluated: 2023-11-06. Review status: criteria provided, single submitter. Criteria: Invitae Variant Classification Sherloc (09022015). Collection method: clinical testing. Allele origin: germline.
Comment: This sequence change replaces lysine, which is basic and polar, with asparagine, which is neutral and polar, at codon 896 of the COL4A6 protein (p.Lys896Asn). This variant is present in population databases (rs150454971, gnomAD 0.04%), and has an allele count higher than expected for a pathogenic variant. This variant has not been reported in the literature in individuals affected with COL4A6-related conditions. ClinVar contains an entry for this variant (Variation ID: 595199). Algorithms developed to predict the effect of missense changes on protein structure and function output the following: SIFT: "Not Available"; PolyPhen-2: "Possibly Damaging"; Align-GVGD: "Not Available". The asparagine amino acid residue is found in multiple mammalian species, which suggests that this missense change does not adversely affect protein function. In summary, the available evidence is currently insufficient to determine the role of this variant in disease. Therefore, it has been classified as a Variant of Uncertain Significance.

CeGaT Center for Human Genetics Tuebingen
Classification: Likely benign. Last evaluated: 2022-11-01. Review status: criteria provided, single submitter. Criteria: CeGaT Center For Human Genetics Tuebingen Variant Classification Criteria Version 2. Collection method: clinical testing. Allele origin: germline. Affected: yes. Observed: 1 variant allele.
Comment: COL4A6: BS2

Eurofins Ntd Llc (ga)
Classification: Uncertain significance. Last evaluated: 2017-12-26. Review status: criteria provided, single submitter. Criteria: EGL Classification Definitions 2015. Collection method: clinical testing. Allele origin: germline. Observed: 1 variant allele, 1 heterozygote.

PreventionGenetics, part of Exact Sciences
Classification: Uncertain significance for COL4A6-related condition. Last evaluated: 2024-05-29. Review status: no assertion criteria provided. Collection method: clinical testing. Allele origin: germline. Not counted in ClinVar's aggregate classification.
Comment: The COL4A6 c.2688G>T variant is predicted to result in the amino acid substitution p.Lys896Asn. To our knowledge, this variant has not been reported in the literature. This variant is reported in 0.043% of alleles in individuals of European (Non-Finnish) descent in gnomAD. Although we suspect that this variant may be benign, at this time, the clinical significance of this variant is uncertain due to the absence of conclusive functional and genetic evidence.